The following is an entry in ClinVar:

ClinVar aggregate classification (germline): Uncertain significance (1 of 4 stars; one submission).

Conditions:
Cardiovascular phenotype. Identifiers: MedGen CN230736.

gnomAD v4.1: 2 of 1,606,960 alleles (0.00012%); highest among the groups gnomAD compares: African/African-American, 0.0013%; no homozygotes.

Submission:

Ambry Genetics
Classification: Uncertain significance for Cardiovascular phenotype. Last evaluated: 2025-05-07. Review status: criteria provided, single submitter. Criteria: Ambry Variant Classification Scheme 2023. Collection method: clinical testing. Allele origin: germline.
Comment: The c.237C>T variant (also known as p.L79L), located in coding exon 3 of the SCN4B gene, results from a C to T substitution at nucleotide position 237. This nucleotide substitution does not change the amino acid at codon 79. This nucleotide position is not well conserved in available vertebrate species. In silico splice site analysis for this alteration is inconclusive. Based on the available evidence, the clinical significance of this variant remains unclear.

NM_174934.4(SCN4B):c.237C>T (p.Leu79=)

Genes: SCN4B (sodium voltage-gated channel beta subunit 4; minus strand), LOC126861356 (BRD4-independent group 4 enhancer GRCh37_chr11:118014519-118015718; plus strand). Cytogenetic location: 11q23.3.
Variant type: single nucleotide variant.
Coding change: c.237C>T on transcript NM_174934.4 (MANE Select); coding-DNA position 237, C replaced by T.
Protein change: p.Leu79=; no amino-acid change (leucine 79 retained).
Molecular consequence: synonymous variant. On other transcripts: 5 prime UTR variant (1), non-coding transcript variant (1), intron variant (1).
Genome position (GRCh38, 1-based): chr11:118,144,059, G>A on the plus strand (C>T on the coding strand, the complement: SCN4B is on the minus strand). VCF-style: chr11-118144059-G-A. GRCh37 (hg19) VCF-style: chr11-118014774-G-A.
Other names: c.-94C>T (NM_001142349.2); c.62-2723C>T (NM_001142348.2).
Identifiers: ClinVar variation 3950953 (VCV003950953.1).